The following is an entry in ClinVar:

NM_003401.5(XRCC4):c.458G>A (p.Arg153Lys)

Gene: XRCC4 (X-ray repair cross complementing 4; plus strand). Cytogenetic location: 5q14.2.
Variant type: single nucleotide variant.
Coding change: c.458G>A on transcript NM_003401.5 (MANE Select); coding-DNA position 458, G replaced by A.
Protein change: p.Arg153Lys; replaces arginine 153 with lysine.
Molecular consequence: missense variant.
Genome position (GRCh38, 1-based): chr5:83,195,912, G>A. VCF-style: chr5-83195912-G-A. GRCh37 (hg19) VCF-style: chr5-82491731-G-A.
Other names: c.458G>A, p.Arg153Lys (NM_001318012.3, NM_001318013.2, NM_022406.5 and 1 more transcripts); short protein forms R153K.
Identifiers: ClinVar variation 1449070 (VCV001449070.9), dbSNP rs1277864722, ClinGen allele CA360358680.

ClinVar aggregate classification (germline): Uncertain significance. Review status: criteria provided, multiple submitters, no conflicts (2 of 4 stars). 2 submissions from 2 submitters: Uncertain significance (2). Last evaluated 2022-09-21.

Conditions:
Short stature, microcephaly, and endocrine dysfunction (SSMED). Identifiers: Orphanet 436182, MedGen C4225288, MONDO:0014686, OMIM 616541.

Allele frequency attached by ClinVar (database versions not stated): TOPMed below 0.00001; gnomAD 0.00001; gnomAD exomes 0.00001.
gnomAD v4.1: 18 of 1,610,780 alleles (0.0011%); highest among the groups gnomAD compares: Non-Finnish European, 0.0015%; no homozygotes.

Submissions (2):

Labcorp Genetics (formerly Invitae), Labcorp
Classification: Uncertain significance. Last evaluated: 2022-09-21. Review status: criteria provided, single submitter. Criteria: Invitae Variant Classification Sherloc (09022015). Collection method: clinical testing. Allele origin: germline.
Comment: In summary, the available evidence is currently insufficient to determine the role of this variant in disease. Therefore, it has been classified as a Variant of Uncertain Significance. Advanced modeling of protein sequence and biophysical properties (such as structural, functional, and spatial information, amino acid conservation, physicochemical variation, residue mobility, and thermodynamic stability) performed at Invitae indicates that this missense variant is not expected to disrupt XRCC4 protein function. ClinVar contains an entry for this variant (Variation ID: 1449070). This variant has not been reported in the literature in individuals affected with XRCC4-related conditions. This variant is not present in population databases (gnomAD no frequency). This sequence change replaces arginine, which is basic and polar, with lysine, which is basic and polar, at codon 153 of the XRCC4 protein (p.Arg153Lys).

Fulgent Genetics
Classification: Uncertain significance for Short stature, microcephaly, and endocrine dysfunction. Last evaluated: 2022-05-16. Review status: criteria provided, single submitter. Criteria: ACMG Guidelines, 2015. Collection method: clinical testing. Allele origin: unknown.